The following is an entry in ClinVar:

ClinVar aggregate classification (germline): Uncertain significance (1 of 4 stars; one submission).

Conditions:
Inborn genetic diseases. Identifiers: MedGen C0950123, MeSH D030342.

gnomAD v4.1: 1 of 1,611,660 alleles (0.000062%); highest among the groups gnomAD compares: Non-Finnish European, 0.000085%; no homozygotes.

Submission:

Ambry Genetics
Classification: Uncertain significance for Inborn genetic diseases. Last evaluated: 2025-02-21. Review status: criteria provided, single submitter. Criteria: Ambry Variant Classification Scheme 2023. Collection method: clinical testing. Allele origin: germline.
Comment: The p.D188H variant (also known as c.562G>C), located in coding exon 3 of the KDM1A gene, results from a G to C substitution at nucleotide position 562. The aspartic acid at codon 188 is replaced by histidine, an amino acid with similar properties. This amino acid position is conserved. In addition, this alteration is predicted to be tolerated by in silico analysis. Based on the available evidence, the clinical significance of this variant remains unclear.

NM_001009999.3(KDM1A):c.562G>C (p.Asp188His)

Gene: KDM1A (lysine demethylase 1A; plus strand). Cytogenetic location: 1p36.12.
Variant type: single nucleotide variant.
Coding change: c.562G>C on transcript NM_001009999.3 (MANE Select); coding-DNA position 562, G replaced by C.
Protein change: p.Asp188His; replaces aspartic acid 188 with histidine.
Molecular consequence: missense variant. On other transcripts: intron variant (3).
Genome position (GRCh38, 1-based): chr1:23,044,471, G>C. VCF-style: chr1-23044471-G-C. GRCh37 (hg19) VCF-style: chr1-23370964-G-C.
Other names: c.562G>C, p.Asp188His (NM_001410762.1); c.518-5916G>C (NM_001363654.2, NM_001410763.1, NM_015013.4); short protein forms D188H.
Identifiers: ClinVar variation 3863338 (VCV003863338.1).